The following is an entry in ClinVar:

ClinVar aggregate classification (germline): Uncertain significance (1 of 4 stars; one submission).

Conditions:
BBS10-related disorder. Also called: BBS10-related condition.

Submission:

PreventionGenetics, part of Exact Sciences
Classification: Uncertain significance for BBS10-related condition. Last evaluated: 2025-06-13. Review status: criteria provided, single submitter. Criteria: ACMG Guidelines, 2015. Collection method: clinical testing. Allele origin: germline.
Comment: The BBS10 c.748C>T variant is predicted to result in the amino acid substitution p.Pro250Ser. To our knowledge, this variant has not been reported in the literature or in a large population database (gnomAD), indicating this variant is rare. At this time, the clinical significance of this variant is uncertain due to the absence of conclusive functional and genetic evidence.

NM_024685.4(BBS10):c.748C>T (p.Pro250Ser)

Gene: BBS10 (Bardet-Biedl syndrome 10; minus strand). Cytogenetic location: 12q21.2.
Variant type: single nucleotide variant.
Coding change: c.748C>T on transcript NM_024685.4 (MANE Select); coding-DNA position 748, C replaced by T.
Protein change: p.Pro250Ser; replaces proline 250 with serine.
Molecular consequence: missense variant.
Genome position (GRCh38, 1-based): chr12:76,347,237, G>A on the plus strand (C>T on the coding strand, the complement: BBS10 is on the minus strand). VCF-style: chr12-76347237-G-A. GRCh37 (hg19) VCF-style: chr12-76741017-G-A.
Other names: short protein forms P250S.
Identifiers: ClinVar variation 4977981 (VCV004977981.1).
Genomic context (GRCh38, chr12:76,347,237, plus strand): 5'-TGGAAAAAAGAGGCTGAATGGTTTCTGTTACTATCACCATTCGCATGTCACCATCTGCTG[G>A]GCGGTACACAGAAAAATCTTTCTGAAGCACAAGACCAGCTATGATCCTGGAATCTGAAAC-3'
Protein context (NP_078961.3, residues 240-260): VLQKDFSVYR[Pro250Ser]ADGDMRMVIV